The following is an entry in ClinVar:

ClinVar aggregate classification (germline): Uncertain significance (1 of 4 stars; one submission).

Conditions:
Wilson disease (WND). Also called: Wilson's disease. Identifiers: Orphanet 905, MedGen C0019202, MONDO:0010200, OMIM 277900. Disease mechanism: loss of function.

Submission:

Color Diagnostics, LLC DBA Color Health
Classification: Uncertain significance for Wilson disease. Last evaluated: 2025-07-07. Review status: criteria provided, single submitter. Criteria: ACMG Guidelines, 2015. Collection method: clinical testing. Allele origin: germline.
Comment: This missense variant replaces valine with methionine at codon 1059 of the ATP7B protein. Computational prediction suggests that this variant may not impact protein structure and function. To our knowledge, functional studies have not been reported for this variant. This variant has not been reported in individuals affected with ATP7B-related disorders in the literature. This variant has been identified in 1/249330 chromosomes in the general population by the Genome Aggregation Database (gnomAD). The available evidence is insufficient to determine the role of this variant in disease conclusively. Therefore, this variant is classified as a Variant of Uncertain Significance.

NM_000053.4(ATP7B):c.3175G>A (p.Val1059Met)

Gene: ATP7B (ATPase copper transporting beta; minus strand). Cytogenetic location: 13q14.3.
Variant type: single nucleotide variant.
Coding change: c.3175G>A on transcript NM_000053.4 (MANE Select); coding-DNA position 3175, G replaced by A.
Protein change: p.Val1059Met; replaces valine 1059 with methionine.
Molecular consequence: missense variant. On other transcripts: intron variant (1).
Genome position (GRCh38, 1-based): chr13:51,944,177, C>T on the plus strand (G>A on the coding strand, the complement: ATP7B is on the minus strand). VCF-style: chr13-51944177-C-T. GRCh37 (hg19) VCF-style: chr13-52518313-C-T.
Other names: c.3079G>A, p.Val1027Met (NM_001406518.1, NM_001406517.1); c.3040G>A, p.Val1014Met (NM_001406519.1); c.3031G>A, p.Val1011Met (NM_001406520.1, NM_001406521.1, NM_001406522.1); c.2998G>A, p.Val1000Met (NM_001406524.1); c.2980G>A, p.Val994Met (NM_001406525.1); c.3175G>A, p.Val1059Met (NM_001406526.1, NM_001406511.1, NM_001406512.1); c.2941G>A, p.Val981Met (NM_001406527.1, NM_001330578.2, NM_001406528.1 and 1 more transcripts); c.2554G>A, p.Val852Met (NM_001005918.3); and 19 more; short protein forms V1000M, V1011M, V1014M, V1027M, V1041M, V1048M, V1057M, V1059M.
Identifiers: ClinVar variation 4756650 (VCV004756650.1).
Genomic context (GRCh38, chr13:51,944,177, plus strand): 5'-AGTATTTGGTGACTGCCACGCCCAAGGGGTGTTCACTGCTGGCCTCCGCAGTCCCCACCA[C>T]AGCCAGAACCTTCCTGAGGGGCAGTGTGGCCACATCCCCCAGCAGGAGCACCCGCATGAC-3'
Protein context (NP_000044.2, residues 1049-1069): ATLPLRKVLA[Val1059Met]VGTAEASSEH